The following is an entry in ClinVar:

NM_000186.4(CFH):c.240T>G (p.Cys80Trp)

Gene: CFH (complement factor H; plus strand). Cytogenetic location: 1q31.3.
Variant type: single nucleotide variant.
Coding change: c.240T>G on transcript NM_000186.4 (MANE Select); coding-DNA position 240, T replaced by G.
Protein change: p.Cys80Trp; replaces cysteine 80 with tryptophan.
Molecular consequence: missense variant.
Genome position (GRCh38, 1-based): chr1:196,673,159, T>G. VCF-style: chr1-196673159-T-G. GRCh37 (hg19) VCF-style: chr1-196642289-T-G.
Other names: c.240T>G, p.Cys80Trp (NM_001014975.3); short protein forms C80W.
Identifiers: ClinVar variation 4291515 (VCV004291515.1).

ClinVar aggregate classification (germline): Uncertain significance (1 of 4 stars; one submission).

Conditions:
Atypical hemolytic-uremic syndrome. Identifiers: Orphanet 2134, MedGen C2931788, MONDO:0016244.

Submission:

Genomenon, Inc
Classification: Uncertain significance for Atypical hemolytic-uremic syndrome. Last evaluated: 2025-10-02. Review status: criteria provided, single submitter. Criteria: Genomenon Sequence Variant Interpretation Standards - Updated. Collection method: curation. Allele origin: germline. Affected: yes.
Comment: CFH p.Cys80Trp (c.240T>G) is a missense variant that changes the amino acid at residue 80 from Cysteine to Tryptophan. This variant has been observed in at least one proband affected with atypical hemolytic-uremic syndrome (PMID:30046676). It is absent or not present at a significant frequency in gnomAD. In silico models agree that this variant is possibly or probably damaging. In conclusion, we classify CFH p.Cys80Trp (c.240T>G) as a variant of uncertain significance.

Literature cited by the submitters: PubMed 30046676.